The following is an entry in ClinVar:

ClinVar aggregate classification (germline): Pathogenic (1 of 4 stars; one submission).

Allele frequency attached by ClinVar (database versions not stated): gnomAD 0.00001; TOPMed 0.00001.
gnomAD v4.1: 1 of 1,612,814 alleles (0.000062%); highest among the groups gnomAD compares: African/African-American, 0.0013%; no homozygotes.

Submission:

Labcorp Genetics (formerly Invitae), Labcorp
Classification: Pathogenic. Last evaluated: 2022-09-02. Review status: criteria provided, single submitter. Criteria: Invitae Variant Classification Sherloc (09022015). Collection method: clinical testing. Allele origin: germline.
Comment: This sequence change creates a premature translational stop signal (p.Gln98*) in the SLC34A3 gene. It is expected to result in an absent or disrupted protein product. Loss-of-function variants in SLC34A3 are known to be pathogenic (PMID: 16358214, 16358215, 22159077). This variant is present in population databases (no rsID available, gnomAD 0.01%). This variant has not been reported in the literature in individuals affected with SLC34A3-related conditions. For these reasons, this variant has been classified as Pathogenic.

Literature cited by the submitters: PubMed 16358214; PubMed 16358215; PubMed 22159077.

NM_001177316.2(SLC34A3):c.292C>T (p.Gln98Ter)

Gene: SLC34A3 (solute carrier family 34 member 3; plus strand). Cytogenetic location: 9q34.3.
Variant type: single nucleotide variant.
Coding change: c.292C>T on transcript NM_001177316.2 (MANE Select); coding-DNA position 292, C replaced by T.
Protein change: p.Gln98Ter; replaces glutamine 98 with a stop codon.
Molecular consequence: nonsense.
Genome position (GRCh38, 1-based): chr9:137,232,691, C>T. VCF-style: chr9-137232691-C-T. GRCh37 (hg19) VCF-style: chr9-140127143-C-T.
Other names: c.292C>T, p.Gln98Ter (NM_001177317.2, NM_080877.3); short protein forms Q98*.
Identifiers: ClinVar variation 2028563 (VCV002028563.4), dbSNP rs1424453890, ClinGen allele CA375727311.